The following is an entry in ClinVar:

ClinVar aggregate classification (germline): Conflicting classifications of pathogenicity. Review status: criteria provided, conflicting classifications (1 of 4 stars). 3 submissions from 3 submitters: Uncertain significance (1); Likely benign (2). Last evaluated 2026-01-27.

Conditions:
Long QT syndrome (LQTS). Identifiers: MedGen C0023976, MeSH D008133, MONDO:0002442. Disease mechanism: loss of function. Inheritance: Various modes of inheritance.
Cardiovascular phenotype. Identifiers: MedGen CN230736.

Allele frequency attached by ClinVar (database versions not stated): gnomAD exomes 0.00002 and 0.00008; ExAC 0.00012; TOPMed 0.00028; gnomAD 0.00030 and 0.00034; 1000 Genomes Project 30x 0.00031; ESP Exome Variant Server 0.00031; 1000 Genomes Project 0.00040.
gnomAD v4.1: 81 of 1,607,072 alleles (0.005%); highest among the groups gnomAD compares: African/African-American, 0.1%; no homozygotes.

Submissions (3):

Labcorp Genetics (formerly Invitae), Labcorp
Classification: Uncertain significance for Long QT syndrome. Last evaluated: 2026-01-27. Review status: criteria provided, single submitter. Criteria: Invitae Variant Classification Sherloc (09022015). Collection method: clinical testing. Allele origin: germline.
Comment: This sequence change falls in intron 18 of the AKAP9 gene. It does not directly change the encoded amino acid sequence of the AKAP9 protein. It affects a nucleotide within the consensus splice site. This variant is present in population databases (rs200730225, gnomAD 0.1%), and has an allele count higher than expected for a pathogenic variant. This variant has not been reported in the literature in individuals affected with AKAP9-related conditions. ClinVar contains an entry for this variant (Variation ID: 508773). Variants that disrupt the consensus splice site are a relatively common cause of aberrant splicing (PMID: 17576681, 9536098). Algorithms developed to predict the effect of sequence changes on RNA splicing suggest that this variant is not likely to affect RNA splicing. In summary, the available evidence is currently insufficient to determine the role of this variant in disease. Therefore, it has been classified as a Variant of Uncertain Significance.

Ambry Genetics
Classification: Likely benign for Cardiovascular phenotype. Last evaluated: 2019-06-06. Review status: criteria provided, single submitter. Criteria: Ambry Variant Classification Scheme 2023. Collection method: clinical testing. Allele origin: germline.

GeneDx
Classification: Likely benign. Last evaluated: 2017-04-06. Review status: criteria provided, single submitter. Criteria: GeneDx Variant Classification (06012015). Collection method: clinical testing. Allele origin: germline. Affected: yes.
Comment: This variant is considered likely benign or benign based on one or more of the following criteria: it is a conservative change, it occurs at a poorly conserved position in the protein, it is predicted to be benign by multiple in silico algorithms, and/or has population frequency not consistent with disease.

Literature cited by the submitters: PubMed 17576681 (cited by Labcorp Genetics (formerly Invitae), Labcorp); PubMed 9536098 (cited by Labcorp Genetics (formerly Invitae), Labcorp).

NM_005751.5(AKAP9):c.4917+3A>C

Gene: AKAP9 (A-kinase anchoring protein 9; plus strand). Cytogenetic location: 7q21.2.
Variant type: single nucleotide variant.
Coding change: c.4917+3A>C on transcript NM_005751.5 (MANE Select); 3 bases into the intron after coding-DNA position 4917, A replaced by C.
Molecular consequence: intron variant.
Genome position (GRCh38, 1-based): chr7:92,040,901, A>C. VCF-style: chr7-92040901-A-C. GRCh37 (hg19) VCF-style: chr7-91670215-A-C.
Other names: c.4917+3A>C (NM_147185.3).
Identifiers: ClinVar variation 508773 (VCV000508773.10), dbSNP rs200730225, ClinGen allele CA4336680.